The following is an entry in ClinVar:

ClinVar aggregate classification (germline): Uncertain significance (1 of 4 stars; one submission).

Conditions:
MAP3K6-related disorder. Also called: MAP3K6-related condition.

gnomAD v4.1: 43 of 1,612,202 alleles (0.0027%); highest among the groups gnomAD compares: Admixed American, 0.0033%; no homozygotes.

Submission:

PreventionGenetics, part of Exact Sciences
Classification: Uncertain significance for MAP3K6-related condition. Last evaluated: 2024-12-16. Review status: criteria provided, single submitter. Criteria: ACMG Guidelines, 2015. Collection method: clinical testing. Allele origin: germline.
Comment: The MAP3K6 c.766C>T variant is predicted to result in the amino acid substitution p.Arg256Trp. To our knowledge, this variant has not been reported in the literature. This variant is reported in 0.0057% of alleles in individuals of Latino descent in gnomAD. At this time, the clinical significance of this variant is uncertain due to the absence of conclusive functional and genetic evidence.

NM_004672.5(MAP3K6):c.766C>T (p.Arg256Trp)

Gene: MAP3K6 (mitogen-activated protein kinase kinase kinase 6; minus strand). Cytogenetic location: 1p36.11.
Variant type: single nucleotide variant.
Coding change: c.766C>T on transcript NM_004672.5 (MANE Select); coding-DNA position 766, C replaced by T.
Protein change: p.Arg256Trp; replaces arginine 256 with tryptophan.
Molecular consequence: missense variant.
Genome position (GRCh38, 1-based): chr1:27,364,015, G>A on the plus strand (C>T on the coding strand, the complement: MAP3K6 is on the minus strand). VCF-style: chr1-27364015-G-A. GRCh37 (hg19) VCF-style: chr1-27690506-G-A.
Other names: c.742C>T, p.Arg248Trp (NM_001297609.2); short protein forms R256W, R248W.
Identifiers: ClinVar variation 4979239 (VCV004979239.1).